The following is an entry in ClinVar:

ClinVar aggregate classification (germline): Likely benign. Review status: criteria provided, single submitter (1 of 4 stars). 2 submissions from 2 submitters: Likely benign (1). 1 of the submissions does not count toward it. Last evaluated 2024-02-28.

Conditions:
Carpenter syndrome. Identifiers: Orphanet 65759, MedGen C1275078, MONDO:0019012.
RAB23-related disorder. Also called: RAB23-related condition.

Allele frequency attached by ClinVar (database versions not stated): TOPMed below 0.00001; gnomAD 0.00001; ExAC 0.00002; gnomAD exomes 0.00002 and 0.00003.
gnomAD v4.1: 44 of 1,613,768 alleles (0.0027%); highest among the groups gnomAD compares: South Asian, 0.0044%; no homozygotes.

Submissions (2):

Labcorp Genetics (formerly Invitae), Labcorp
Classification: Likely benign for Carpenter syndrome. Last evaluated: 2024-02-28. Review status: criteria provided, single submitter. Criteria: Invitae Variant Classification Sherloc (09022015). Collection method: clinical testing. Allele origin: germline.

PreventionGenetics, part of Exact Sciences
Classification: Likely benign for RAB23-related condition. Last evaluated: 2024-05-15. Review status: no assertion criteria provided. Collection method: clinical testing. Allele origin: germline. Not counted in ClinVar's aggregate classification.
Comment: This variant is classified as likely benign based on ACMG/AMP sequence variant interpretation guidelines (Richards et al. 2015 PMID: 25741868, with internal and published modifications).

NM_016277.5(RAB23):c.606C>T (p.Ser202=)

Gene: RAB23 (RAB23, member RAS oncogene family; minus strand). Cytogenetic location: 6p12.1.
Variant type: single nucleotide variant.
Coding change: c.606C>T on transcript NM_016277.5 (MANE Select); coding-DNA position 606, C replaced by T.
Protein change: p.Ser202=; no amino-acid change (serine 202 retained).
Molecular consequence: synonymous variant. On other transcripts: non-coding transcript variant (1).
Genome position (GRCh38, 1-based): chr6:57,190,569, G>A on the plus strand (C>T on the coding strand, the complement: RAB23 is on the minus strand). VCF-style: chr6-57190569-G-A. GRCh37 (hg19) VCF-style: chr6-57055367-G-A.
Other names: c.606C>T (NM_183227.2); c.606C>T, p.Ser202= (NM_001278666.2, NM_001278667.2, NM_001278668.2 and 1 more transcripts).
Identifiers: ClinVar variation 1158043 (VCV001158043.10), dbSNP rs771204930, ClinGen allele CA3873747.